The following is an entry in ClinVar:

NM_018127.7(ELAC2):c.1850C>G (p.Ser617Cys)

Gene: ELAC2 (elaC ribonuclease Z 2; minus strand). Cytogenetic location: 17p12.
Variant type: single nucleotide variant.
Coding change: c.1850C>G on transcript NM_018127.7 (MANE Select); coding-DNA position 1850, C replaced by G.
Protein change: p.Ser617Cys; replaces serine 617 with cysteine.
Molecular consequence: missense variant.
Genome position (GRCh38, 1-based): chr17:12,995,021, G>C on the plus strand (C>G on the coding strand, the complement: ELAC2 is on the minus strand). VCF-style: chr17-12995021-G-C. GRCh37 (hg19) VCF-style: chr17-12898338-G-C.
Other names: c.1730C>G, p.Ser577Cys (NM_001165962.2); c.1847C>G, p.Ser616Cys (NM_173717.2); short protein forms S577C, S617C, S616C.
Identifiers: ClinVar variation 1373227 (VCV001373227.6), dbSNP rs2143556871, ClinGen allele CA398223372.

ClinVar aggregate classification (germline): Uncertain significance (1 of 4 stars; one submission).

Conditions:
Combined oxidative phosphorylation defect type 17. Also called: Combined oxidative phosphorylation deficiency 17. Identifiers: Orphanet 369913, MedGen C3809526, MONDO:0014190, OMIM 615440.

gnomAD v4.1: 1 of 1,614,188 alleles (0.000062%); no homozygotes.

Submission:

Labcorp Genetics (formerly Invitae), Labcorp
Classification: Uncertain significance for Combined oxidative phosphorylation defect type 17. Last evaluated: 2022-08-10. Review status: criteria provided, single submitter. Criteria: Invitae Variant Classification Sherloc (09022015). Collection method: clinical testing. Allele origin: germline.
Comment: Algorithms developed to predict the effect of missense changes on protein structure and function (SIFT, PolyPhen-2, Align-GVGD) all suggest that this variant is likely to be tolerated. In summary, the available evidence is currently insufficient to determine the role of this variant in disease. Therefore, it has been classified as a Variant of Uncertain Significance. ClinVar contains an entry for this variant (Variation ID: 1373227). This variant has not been reported in the literature in individuals affected with ELAC2-related conditions. This variant is not present in population databases (gnomAD no frequency). This sequence change replaces serine, which is neutral and polar, with cysteine, which is neutral and slightly polar, at codon 617 of the ELAC2 protein (p.Ser617Cys).